The following is an entry in ClinVar:

NM_001330260.2(SCN8A):c.119C>T (p.Ala40Val)

Genes: SCN8A (sodium voltage-gated channel alpha subunit 8; plus strand), LOC114803470 (SCN8A eExon liver enhancer; plus strand). Cytogenetic location: 12q13.13.
Variant type: single nucleotide variant.
Coding change: c.119C>T on transcript NM_001330260.2 (MANE Select); coding-DNA position 119, C replaced by T.
Protein change: p.Ala40Val; replaces alanine 40 with valine.
Molecular consequence: missense variant.
Genome position (GRCh38, 1-based): chr12:51,662,936, C>T. VCF-style: chr12-51662936-C-T. GRCh37 (hg19) VCF-style: chr12-52056720-C-T.
Other names: c.119C>T, p.Ala40Val (NM_001177984.3, NM_001369788.1, NM_014191.4); short protein forms A40V.
Identifiers: ClinVar variation 1357529 (VCV001357529.7), dbSNP rs2138671122, ClinGen allele CA385227814.
Genomic context (GRCh38, chr12:51,662,936, plus strand): 5'-AGTCACTGGCAAACATTGAGAGGCGCATTGCTGAGAGCAAGCTCAAGAAACCACCAAAGG[C>T]CGATGGCAGTCATCGGGAGGACGATGAGGACAGCAAGCCCAAGCCAAACAGCGACCTGGA-3'
Protein context (NP_001317189.1, residues 30-50): AESKLKKPPK[Ala40Val]DGSHREDDED

ClinVar aggregate classification (germline): Uncertain significance (1 of 4 stars; one submission).

Conditions:
Early-infantile DEE. Also called: Early infantile epileptic encephalopathy with suppression bursts; Ohtahara syndrome; Early infantile epileptic encephalopathy. Identifiers: Orphanet 1934, MedGen C0393706, MONDO:0800491.

Submission:

Labcorp Genetics (formerly Invitae), Labcorp
Classification: Uncertain significance for Early-infantile DEE. Last evaluated: 2023-12-25. Review status: criteria provided, single submitter. Criteria: Invitae Variant Classification Sherloc (09022015). Collection method: clinical testing. Allele origin: germline.
Comment: This sequence change replaces alanine, which is neutral and non-polar, with valine, which is neutral and non-polar, at codon 40 of the SCN8A protein (p.Ala40Val). This variant is not present in population databases (gnomAD no frequency). This variant has not been reported in the literature in individuals affected with SCN8A-related conditions. ClinVar contains an entry for this variant (Variation ID: 1357529). Advanced modeling of protein sequence and biophysical properties (such as structural, functional, and spatial information, amino acid conservation, physicochemical variation, residue mobility, and thermodynamic stability) performed at Invitae indicates that this missense variant is not expected to disrupt SCN8A protein function with a negative predictive value of 95%. In summary, the available evidence is currently insufficient to determine the role of this variant in disease. Therefore, it has been classified as a Variant of Uncertain Significance.